The following is an entry in ClinVar:

ClinVar aggregate classification (germline): Uncertain significance (1 of 4 stars; one submission).

Submission:

Labcorp Genetics (formerly Invitae), Labcorp
Classification: Uncertain significance. Last evaluated: 2024-10-23. Review status: criteria provided, single submitter. Criteria: Invitae Variant Classification Sherloc (09022015). Collection method: clinical testing. Allele origin: germline.
Comment: This sequence change replaces proline, which is neutral and non-polar, with histidine, which is basic and polar, at codon 64 of the FBXO11 protein (p.Pro64His). This variant is not present in population databases (gnomAD no frequency). This variant has not been reported in the literature in individuals affected with FBXO11-related conditions. Experimental studies and prediction algorithms are not available or were not evaluated, and the functional significance of this variant is currently unknown. In summary, the available evidence is currently insufficient to determine the role of this variant in disease. Therefore, it has been classified as a Variant of Uncertain Significance.

NM_001190274.2(FBXO11):c.191C>A (p.Pro64His)

Gene: FBXO11 (F-box protein 11; minus strand). Cytogenetic location: 2p16.3.
Variant type: single nucleotide variant.
Coding change: c.191C>A on transcript NM_001190274.2 (MANE Select); coding-DNA position 191, C replaced by A.
Protein change: p.Pro64His; replaces proline 64 with histidine.
Molecular consequence: missense variant.
Genome position (GRCh38, 1-based): chr2:47,905,530, G>T on the plus strand (C>A on the coding strand, the complement: FBXO11 is on the minus strand). VCF-style: chr2-47905530-G-T. GRCh37 (hg19) VCF-style: chr2-48132669-G-T.
Other names: short protein forms P64H.
Identifiers: ClinVar variation 2763829 (VCV002763829.3), dbSNP rs989895071, ClinGen allele CA346812546.